The following is an entry in ClinVar:

NM_004168.4(SDHA):c.1025T>G (p.Val342Gly)

Gene: SDHA (succinate dehydrogenase complex flavoprotein subunit A; plus strand). Cytogenetic location: 5p15.33.
Variant type: single nucleotide variant.
Coding change: c.1025T>G on transcript NM_004168.4 (MANE Select); coding-DNA position 1025, T replaced by G.
Protein change: p.Val342Gly; replaces valine 342 with glycine.
Molecular consequence: missense variant.
Genome position (GRCh38, 1-based): chr5:233,606, T>G. VCF-style: chr5-233606-T-G. GRCh37 (hg19) VCF-style: chr5-233721-T-G.
Other names: c.881T>G, p.Val294Gly (NM_001294332.2); c.1025T>G, p.Val342Gly (NM_001330758.2); short protein forms V294G, V342G.
Identifiers: ClinVar variation 3223704 (VCV003223704.1), dbSNP rs2477350342, ClinGen allele CA359012910.

ClinVar aggregate classification (germline): Uncertain significance (1 of 4 stars; one submission).

Conditions:
Hereditary cancer-predisposing syndrome. Also called: Tumor predisposition; Hereditary neoplastic syndrome; Hereditary Cancer Syndrome; Neoplastic Syndromes, Hereditary. Identifiers: Orphanet 140162, MedGen C0027672, MeSH D009386, MONDO:0015356.

Submission:

Ambry Genetics
Classification: Uncertain significance for Hereditary cancer-predisposing syndrome. Last evaluated: 2023-10-15. Review status: criteria provided, single submitter. Criteria: Ambry Variant Classification Scheme 2023. Collection method: clinical testing. Allele origin: germline.
Comment: The p.V342G variant (also known as c.1025T>G), located in coding exon 8 of the SDHA gene, results from a T to G substitution at nucleotide position 1025. The valine at codon 342 is replaced by glycine, an amino acid with dissimilar properties. This amino acid position is conserved. In addition, this alteration is predicted to be deleterious by in silico analysis. Since supporting evidence is limited at this time, the clinical significance of this alteration remains unclear.